The following is an entry in ClinVar:

ClinVar aggregate classification (germline): Uncertain significance (1 of 4 stars; one submission).

Conditions:
VPS13B-related disorder. Also called: VPS13B-related condition.

gnomAD v4.1: 3 of 1,614,036 alleles (0.00019%); highest among the groups gnomAD compares: Middle Eastern, 0.033%; no homozygotes.

Submission:

PreventionGenetics, part of Exact Sciences
Classification: Uncertain significance for VPS13B-related condition. Last evaluated: 2026-01-14. Review status: criteria provided, single submitter. Criteria: ACMG Guidelines, 2015. Collection method: clinical testing. Allele origin: germline.
Comment: The VPS13B c.7384C>T variant is predicted to result in the amino acid substitution p.His2462Tyr. To our knowledge, this variant has not been reported in the literature. This variant is reported in a single individual in the "other" population in gnomAD. At this time, the clinical significance of this variant is uncertain due to the absence of conclusive functional and genetic evidence.

NM_152564.5(VPS13B):c.7384C>T (p.His2462Tyr)

Gene: VPS13B (vacuolar protein sorting 13 homolog B; plus strand). Cytogenetic location: 8q22.2.
Variant type: single nucleotide variant.
Coding change: c.7384C>T on transcript NM_152564.5 (MANE Select); coding-DNA position 7384, C replaced by T.
Protein change: p.His2462Tyr; replaces histidine 2462 with tyrosine.
Molecular consequence: missense variant.
Genome position (GRCh38, 1-based): chr8:99,776,911, C>T. VCF-style: chr8-99776911-C-T. GRCh37 (hg19) VCF-style: chr8-100789139-C-T.
Other names: c.7459C>T, p.His2487Tyr (NM_017890.5); short protein forms H2462Y, H2487Y.
Identifiers: ClinVar variation 4988376 (VCV004988376.1).